The following is an entry in ClinVar:

ClinVar aggregate classification (germline): Uncertain significance (1 of 4 stars; one submission).

Conditions:
Autosomal dominant limb-girdle muscular dystrophy type 1D (DNAJB6) (LGMDD1). Also called: MUSCULAR DYSTROPHY, AUTOSOMAL DOMINANT, WITH RIMMED VACUOLES; MUSCULAR DYSTROPHY, LIMB-GIRDLE, TYPE 1D; Autosomal dominant limb-girdle muscular dystrophy type 1D; Muscular dystrophy, limb-girdle, autosomal dominant 1. Identifiers: Orphanet 34516, MedGen C4721885, MONDO:0021018, OMIM 603511.

Allele frequency attached by ClinVar (database versions not stated): ExAC 0.00009.

Submission:

Labcorp Genetics (formerly Invitae), Labcorp
Classification: Uncertain significance for Autosomal dominant limb-girdle muscular dystrophy type 1D (DNAJB6). Last evaluated: 2022-10-17. Review status: criteria provided, single submitter. Criteria: Invitae Variant Classification Sherloc (09022015). Collection method: clinical testing. Allele origin: germline.
Comment: This sequence change replaces alanine, which is neutral and non-polar, with proline, which is neutral and non-polar, at codon 252 of the DNAJB6 protein (p.Ala252Pro). This variant is present in population databases (rs777690233, gnomAD 0.004%). This variant has not been reported in the literature in individuals affected with DNAJB6-related conditions. Advanced modeling of protein sequence and biophysical properties (such as structural, functional, and spatial information, amino acid conservation, physicochemical variation, residue mobility, and thermodynamic stability) performed at Invitae indicates that this missense variant is not expected to disrupt DNAJB6 protein function. In summary, the available evidence is currently insufficient to determine the role of this variant in disease. Therefore, it has been classified as a Variant of Uncertain Significance.

NM_058246.4(DNAJB6):c.754G>C (p.Ala252Pro)

Gene: DNAJB6 (DnaJ heat shock protein family (Hsp40) member B6; plus strand). Cytogenetic location: 7q36.3.
Variant type: single nucleotide variant.
Coding change: c.754G>C on transcript NM_058246.4 (MANE Select); coding-DNA position 754, G replaced by C.
Protein change: p.Ala252Pro; replaces alanine 252 with proline.
Molecular consequence: missense variant.
Genome position (GRCh38, 1-based): chr7:157,409,857, G>C. VCF-style: chr7-157409857-G-C. GRCh37 (hg19) VCF-style: chr7-157202551-G-C.
Other names: c.409G>C, p.Ala137Pro (NM_001363676.1); short protein forms A252P, A137P.
Identifiers: ClinVar variation 1963615 (VCV001963615.5), dbSNP rs777690233, ClinGen allele CA4590642.